The following is an entry in ClinVar:

NM_001009944.3(PKD1):c.2911_2914dup (p.Lys972fs)

Gene: PKD1 (polycystin 1, transient receptor potential channel interacting; minus strand). Cytogenetic location: 16p13.3.
Variant type: Duplication.
Coding change: c.2911_2914dup on transcript NM_001009944.3 (MANE Select); coding-DNA positions 2911 to 2914, 4 bases duplicated (GACA; older notation c.2911_2914dupGACA).
Protein change: p.Lys972fs; shifts the reading frame from lysine 972.
Molecular consequence: frameshift variant.
Genome position (GRCh38, 1-based): chr16:2,113,232-2,113,235, TGTC duplicated on the plus strand (GACA on the coding strand, the reverse complement: PKD1 is on the minus strand). VCF-style (leftmost placement, unchanged base first): chr16-2113231-T-TTGTC. GRCh37 (hg19) VCF-style: chr16-2163232-T-TTGTC.
Other names: c.2911_2914dup, p.Lys972fs (NM_000296.4); short protein forms K972fs.
Identifiers: ClinVar variation 3382967 (VCV003382967.3).
Genomic context (GRCh38, chr16:2,113,231, plus strand): 5'-AAGACCGCCGCGCTCTGATAAATGACATTGAAGACCACGTTCTGGAAGGTCAGGGACTGC[T>TTGTC]TGTCGTTGATGGTCCACCGGAAGACCATGTCCGAGCCGGCCTCCACCACGGGGCTGTACC-3'

ClinVar aggregate classification (germline): Pathogenic (1 of 4 stars; one submission).

Conditions:
Polycystic kidney disease, adult type (PKD1). Also called: Polycystic Kidney Disease 1, Autosomal Dominant; Polycystic kidney disease 1; Polycystic kidney disease 1, severe; Polycystic Kidney, Autosomal Dominant; POLYCYSTIC KIDNEY DISEASE 1 WITH OR WITHOUT POLYCYSTIC LIVER DISEASE; POLYCYSTIC KIDNEY DISEASE, ADULT, TYPE I. Identifiers: MedGen C3149841, MONDO:0008263, OMIM 173900.

Submission:

Juno Genomics, Hangzhou Juno Genomics, Inc
Classification: Pathogenic for Polycystic kidney disease, adult type. Review status: criteria provided, single submitter. Criteria: ACMG Guidelines, 2015. Collection method: clinical testing. Allele origin: germline. Affected: yes.
Comment: Absent from controls (or at extremely low frequency if recessive) in Genome Aggregation Database.;Null variant in a gene where loss of function (LOF) is a known mechanism of disease.;Patient's phenotype or family history is highly specific for a disease with a single genetic etiology.